The following is an entry in ClinVar:

NM_001244008.2(KIF1A):c.3006T>C (p.Ser1002=)

Gene: KIF1A (kinesin family member 1A; minus strand). Cytogenetic location: 2q37.3.
Variant type: single nucleotide variant.
Coding change: c.3006T>C on transcript NM_001244008.2 (MANE Select); coding-DNA position 3006, T replaced by C.
Protein change: p.Ser1002=; no amino-acid change (serine 1002 retained).
Molecular consequence: synonymous variant.
Genome position (GRCh38, 1-based): chr2:240,747,293, A>G on the plus strand (T>C on the coding strand, the complement: KIF1A is on the minus strand). VCF-style: chr2-240747293-A-G. GRCh37 (hg19) VCF-style: chr2-241686710-A-G.
Other names: c.2703T>C, p.Ser901= (NM_001379651.1, NM_001379653.1, NM_001379654.1 and 7 more transcripts); c.2730T>C, p.Ser910= (NM_001320705.2, NM_001330289.2, NM_001379638.1); c.2805T>C, p.Ser935= (NM_001330290.2, NM_001379634.1, NM_001379635.1 and 1 more transcripts); c.3081T>C, p.Ser1027= (NM_001379631.1); c.2955T>C, p.Ser985= (NM_001379632.1); c.2979T>C, p.Ser993= (NM_001379633.1, NM_001379642.1, NM_001379645.1); c.2778T>C, p.Ser926= (NM_001379637.1, NM_001379648.1).
Identifiers: ClinVar variation 3067509 (VCV003067509.21), dbSNP rs2537327611, ClinGen allele CA432030835.

ClinVar aggregate classification (germline): Likely benign (1 of 4 stars; one submission).

Allele frequency attached by ClinVar (database versions not stated): gnomAD exomes below 0.00001.
gnomAD v4.1: 1 of 1,613,524 alleles (0.000062%); highest among the groups gnomAD compares: Non-Finnish European, 0.000085%; no homozygotes.

Submission:

CeGaT Center for Human Genetics Tuebingen
Classification: Likely benign. Last evaluated: 2024-03-01. Review status: criteria provided, single submitter. Criteria: CeGaT Center For Human Genetics Tuebingen Variant Classification Criteria Version 2. Collection method: clinical testing. Allele origin: germline. Affected: yes. Observed: 1 variant allele.
Comment: KIF1A: PM2:Supporting, BP4, BP7